The following is an entry in ClinVar:

ClinVar aggregate classification (germline): Uncertain significance (1 of 4 stars; one submission).

Conditions:
Hereditary cancer-predisposing syndrome. Also called: Tumor predisposition; Neoplastic Syndromes, Hereditary; Hereditary Cancer Syndrome; Hereditary neoplastic syndrome. Identifiers: Orphanet 140162, MedGen C0027672, MeSH D009386, MONDO:0015356.

Submission:

Ambry Genetics
Classification: Uncertain significance for Hereditary cancer-predisposing syndrome. Last evaluated: 2024-11-12. Review status: criteria provided, single submitter. Criteria: Ambry Variant Classification Scheme 2023. Collection method: clinical testing. Allele origin: germline.
Comment: The p.S365I variant (also known as c.1094G>T), located in coding exon 8 of the BMPR1A gene, results from a G to T substitution at nucleotide position 1094. The serine at codon 365 is replaced by isoleucine, an amino acid with dissimilar properties. This amino acid position is conserved. In addition, this alteration is predicted to be deleterious by in silico analysis. Based on the available evidence, the clinical significance of this variant remains unclear.

NM_004329.3(BMPR1A):c.1094G>T (p.Ser365Ile)

Gene: BMPR1A (bone morphogenetic protein receptor type 1A; plus strand). Cytogenetic location: 10q23.2.
Variant type: single nucleotide variant.
Coding change: c.1094G>T on transcript NM_004329.3 (MANE Select); coding-DNA position 1094, G replaced by T.
Protein change: p.Ser365Ile; replaces serine 365 with isoleucine.
Molecular consequence: missense variant. On other transcripts: non-coding transcript variant (3).
Genome position (GRCh38, 1-based): chr10:86,919,397, G>T. VCF-style: chr10-86919397-G-T. GRCh37 (hg19) VCF-style: chr10-88679154-G-T.
Other names: c.1169G>T, p.Ser390Ile (NM_001406559.1); c.1142G>T, p.Ser381Ile (NM_001406560.1); c.1094G>T, p.Ser365Ile (NM_001406561.1, NM_001406562.1, NM_001406563.1 and 19 more transcripts); c.1088G>T, p.Ser363Ile (NM_001406583.1); c.1010G>T, p.Ser337Ile (NM_001406584.1, NM_001406585.1, NM_001406586.1 and 2 more transcripts); c.752G>T, p.Ser251Ile (NM_001406589.1); short protein forms S381I, S251I, S337I, S365I, S363I, S390I.
Identifiers: ClinVar variation 3481242 (VCV003481242.1).
Genomic context (GRCh38, chr10:86,919,397, plus strand): 5'-TGCACACAGAAATTTATGGCACCCAAGGAAAGCCCGCAATTGCTCATCGAGACCTAAAGA[G>T]CAAAAACATCCTCATCAAGAAAAATGGGAGTTGCTGCATTGCTGACCTGGGCCTTGCTGT-3'
Protein context (NP_004320.2, residues 355-375): KPAIAHRDLK[Ser365Ile]KNILIKKNGS